The following is an entry in ClinVar:

NM_003978.5(PSTPIP1):c.839C>T (p.Ala280Val)

Gene: PSTPIP1 (proline-serine-threonine phosphatase interacting protein 1; plus strand). Cytogenetic location: 15q24.3.
Variant type: single nucleotide variant.
Coding change: c.839C>T on transcript NM_003978.5 (MANE Select); coding-DNA position 839, C replaced by T.
Protein change: p.Ala280Val; replaces alanine 280 with valine.
Molecular consequence: missense variant. On other transcripts: intron variant (1).
Genome position (GRCh38, 1-based): chr15:77,032,862, C>T. VCF-style: chr15-77032862-C-T. GRCh37 (hg19) VCF-style: chr15-77325203-C-T.
Other names: c.839C>T (LRG_172t1); c.812C>T, p.Ala271Val (NM_001321136.2); c.1034C>T, p.Ala345Val (NM_001321137.1); c.872+434C>T (NM_001321135.2); short protein forms A280V, A271V, A345V.
Identifiers: ClinVar variation 242304 (VCV000242304.9), dbSNP rs139351566, ClinGen allele CA7676049.
Genomic context (GRCh38, chr15:77,032,862, plus strand): 5'-TGGCAGGGCCAGAATGGGGTGTTGGGGGCCGCCCTGGGGCTCACGGCTTGCTGTCTGCAG[C>T]TCCGGTGCCCTACCAGAACTATTACGATCGGGAGGTCACCCCGCTGACCAGCAGCCCTGG-3'
Protein context (NP_003969.2, residues 270-290): QAKSTGTEPP[Ala280Val]PVPYQNYYDR

ClinVar aggregate classification (germline): Uncertain significance. Review status: criteria provided, multiple submitters, no conflicts (2 of 4 stars). 2 submissions from 2 submitters: Uncertain significance (2). Last evaluated 2025-05-08.

Conditions:
Pyogenic arthritis-pyoderma gangrenosum-acne syndrome (PAPA). Also called: FAMILIAL RECURRENT ARTHRITIS; PAPA SYNDROME. Identifiers: Orphanet 69126, MedGen C1858361, MONDO:0011462, OMIM 604416.

Allele frequency attached by ClinVar (database versions not stated): gnomAD exomes 0.00001 and 0.00004; ExAC 0.00004; TOPMed 0.00007; ESP Exome Variant Server 0.00008; gnomAD 0.00009; 1000 Genomes Project 30x 0.00016; 1000 Genomes Project 0.00020.
gnomAD v4.1: 23 of 1,575,056 alleles (0.0015%); highest among the groups gnomAD compares: African/African-American, 0.028%; no homozygotes.

Submissions (2):

Labcorp Genetics (formerly Invitae), Labcorp
Classification: Uncertain significance for Pyogenic arthritis-pyoderma gangrenosum-acne syndrome. Last evaluated: 2025-05-08. Review status: criteria provided, single submitter. Criteria: Invitae Variant Classification Sherloc (09022015). Collection method: clinical testing. Allele origin: germline.
Comment: This sequence change replaces alanine, which is neutral and non-polar, with valine, which is neutral and non-polar, at codon 280 of the PSTPIP1 protein (p.Ala280Val). This variant is present in population databases (rs139351566, gnomAD 0.04%). This variant has not been reported in the literature in individuals affected with PSTPIP1-related conditions. ClinVar contains an entry for this variant (Variation ID: 242304). An algorithm developed to predict the effect of missense changes on protein structure and function (PolyPhen-2) suggests that this variant is likely to be tolerated. In summary, the available evidence is currently insufficient to determine the role of this variant in disease. Therefore, it has been classified as a Variant of Uncertain Significance.

GeneDx
Classification: Uncertain significance. Last evaluated: 2021-02-10. Review status: criteria provided, single submitter. Criteria: GeneDx Variant Classification Process June 2021. Collection method: clinical testing. Allele origin: germline. Affected: yes.
Comment: In silico analysis supports that this missense variant does not alter protein structure/function; Has not been previously published as pathogenic or benign to our knowledge